The following is an entry in ClinVar:

NM_000260.4(MYO7A):c.4661G>T (p.Cys1554Phe)

Gene: MYO7A (myosin VIIA; plus strand). Cytogenetic location: 11q13.5.
Variant type: single nucleotide variant.
Coding change: c.4661G>T on transcript NM_000260.4 (MANE Select); coding-DNA position 4661, G replaced by T.
Protein change: p.Cys1554Phe; replaces cysteine 1554 with phenylalanine.
Molecular consequence: missense variant. On other transcripts: intron variant (2).
Genome position (GRCh38, 1-based): chr11:77,199,627, G>T. VCF-style: chr11-77199627-G-T. GRCh37 (hg19) VCF-style: chr11-76910672-G-T.
Other names: c.4536-22G>T (NM_001369365.1); c.4569-22G>T (NM_001127180.2); short protein forms C1554F.
Identifiers: ClinVar variation 3634271 (VCV003634271.2).

ClinVar aggregate classification (germline): Uncertain significance (1 of 4 stars; one submission).

Submission:

Labcorp Genetics (formerly Invitae), Labcorp
Classification: Uncertain significance. Last evaluated: 2024-04-14. Review status: criteria provided, single submitter. Criteria: Invitae Variant Classification Sherloc (09022015). Collection method: clinical testing. Allele origin: germline.
Comment: This sequence change replaces cysteine, which is neutral and slightly polar, with phenylalanine, which is neutral and non-polar, at codon 1554 of the MYO7A protein (p.Cys1554Phe). This variant is not present in population databases (gnomAD no frequency). This variant has not been reported in the literature in individuals affected with MYO7A-related conditions. Advanced modeling of protein sequence and biophysical properties (such as structural, functional, and spatial information, amino acid conservation, physicochemical variation, residue mobility, and thermodynamic stability) performed at Invitae indicates that this missense variant is not expected to disrupt MYO7A protein function with a negative predictive value of 95%. In summary, the available evidence is currently insufficient to determine the role of this variant in disease. Therefore, it has been classified as a Variant of Uncertain Significance.